The following is an entry in ClinVar:

NM_024753.5(TTC21B):c.1155T>A (p.Asn385Lys)

Gene: TTC21B (tetratricopeptide repeat domain 21B; minus strand). Cytogenetic location: 2q24.3.
Variant type: single nucleotide variant.
Coding change: c.1155T>A on transcript NM_024753.5 (MANE Select); coding-DNA position 1155, T replaced by A.
Protein change: p.Asn385Lys; replaces asparagine 385 with lysine.
Molecular consequence: missense variant.
Genome position (GRCh38, 1-based): chr2:165,929,680, A>T on the plus strand (T>A on the coding strand, the complement: TTC21B is on the minus strand). VCF-style: chr2-165929680-A-T. GRCh37 (hg19) VCF-style: chr2-166786190-A-T.
Other names: short protein forms N385K.
Identifiers: ClinVar variation 1451110 (VCV001451110.6), dbSNP rs2105343770, ClinGen allele CA349066101.

ClinVar aggregate classification (germline): Uncertain significance (1 of 4 stars; one submission).

Conditions:
Nephronophthisis. Also called: Juvenile Nephronophthisis. Identifiers: Orphanet 655, MedGen C0687120, MONDO:0019005, HP:0000090.
Jeune thoracic dystrophy. Also called: Jeune syndrome; Infantile thoracic dystrophy; Thoracic pelvic phalangeal dystrophy; Jeune's syndrome; Chondroectodermal dysplasia-like syndrome; Short-rib thoracic dysplasia. Identifiers: Orphanet 474, MedGen C0265275, MONDO:0018770.

Submission:

Labcorp Genetics (formerly Invitae), Labcorp
Classification: Uncertain significance for Jeune thoracic dystrophy; Nephronophthisis. Last evaluated: 2025-03-17. Review status: criteria provided, single submitter. Criteria: Invitae Variant Classification Sherloc (09022015). Collection method: clinical testing. Allele origin: germline.
Comment: This sequence change replaces asparagine, which is neutral and polar, with lysine, which is basic and polar, at codon 385 of the TTC21B protein (p.Asn385Lys). This variant is not present in population databases (gnomAD no frequency). This variant has not been reported in the literature in individuals affected with TTC21B-related conditions. ClinVar contains an entry for this variant (Variation ID: 1451110). Invitae Evidence Modeling of protein sequence and biophysical properties (such as structural, functional, and spatial information, amino acid conservation, physicochemical variation, residue mobility, and thermodynamic stability) indicates that this missense variant is not expected to disrupt TTC21B protein function with a negative predictive value of 95%. In summary, the available evidence is currently insufficient to determine the role of this variant in disease. Therefore, it has been classified as a Variant of Uncertain Significance.